The following is an entry in ClinVar:

ClinVar aggregate classification (germline): Uncertain significance. Review status: criteria provided, multiple submitters, no conflicts (2 of 4 stars). 2 submissions from 2 submitters: Uncertain significance (2). Last evaluated 2023-10-26.

Conditions:
Hereditary nonpolyposis colorectal neoplasms. Identifiers: MedGen C0009405, MeSH D003123.
Hereditary cancer-predisposing syndrome. Also called: Hereditary Cancer Syndrome; Neoplastic Syndromes, Hereditary; Tumor predisposition; Hereditary neoplastic syndrome. Identifiers: Orphanet 140162, MedGen C0027672, MeSH D009386, MONDO:0015356.

Allele frequency attached by ClinVar (database versions not stated): gnomAD 0.00001.
gnomAD v4.1: 1 of 1,598,430 alleles (0.000063%); highest among the groups gnomAD compares: Non-Finnish European, 0.000086%; no homozygotes.

Submissions (2):

Ambry Genetics
Classification: Uncertain significance for Hereditary cancer-predisposing syndrome. Last evaluated: 2023-10-26. Review status: criteria provided, single submitter. Criteria: Ambry Variant Classification Scheme 2023. Collection method: clinical testing. Allele origin: germline.
Comment: The p.K179M variant (also known as c.536A>T), located in coding exon 5 of the PMS2 gene, results from an A to T substitution at nucleotide position 536. The lysine at codon 179 is replaced by methionine, an amino acid with similar properties. This amino acid position is highly conserved in available vertebrate species. In addition, this alteration is predicted to be deleterious by in silico analysis. Since supporting evidence is limited at this time, the clinical significance of this alteration remains unclear.

Labcorp Genetics (formerly Invitae), Labcorp
Classification: Uncertain significance for Hereditary nonpolyposis colorectal neoplasms. Last evaluated: 2023-06-23. Review status: criteria provided, single submitter. Criteria: Invitae Variant Classification Sherloc (09022015). Collection method: clinical testing. Allele origin: germline.
Comment: In summary, the available evidence is currently insufficient to determine the role of this variant in disease. Therefore, it has been classified as a Variant of Uncertain Significance. An algorithm developed to predict the effect of missense changes on protein structure and function (PolyPhen-2) suggests that this variant is likely to be disruptive. ClinVar contains an entry for this variant (Variation ID: 1747096). This variant has not been reported in the literature in individuals affected with PMS2-related conditions. This variant is not present in population databases (gnomAD no frequency). This sequence change replaces lysine, which is basic and polar, with methionine, which is neutral and non-polar, at codon 179 of the PMS2 protein (p.Lys179Met).

NM_000535.7(PMS2):c.536A>T (p.Lys179Met)

Gene: PMS2 (PMS1 homolog 2, mismatch repair system component; minus strand). Cytogenetic location: 7p22.1.
Variant type: single nucleotide variant.
Coding change: c.536A>T on transcript NM_000535.7 (MANE Select); coding-DNA position 536, A replaced by T.
Protein change: p.Lys179Met; replaces lysine 179 with methionine.
Molecular consequence: missense variant. On other transcripts: 5 prime UTR variant (2), non-coding transcript variant (1).
Genome position (GRCh38, 1-based): chr7:6,002,454, T>A on the plus strand (A>T on the coding strand, the complement: PMS2 is on the minus strand). VCF-style: chr7-6002454-T-A. GRCh37 (hg19) VCF-style: chr7-6042085-T-A.
Other names: c.131A>T, p.Lys44Met (NM_001018040.1, NM_001322003.2, NM_001322004.2 and 25 more transcripts); c.536A>T, p.Lys179Met (NM_001322006.2, NM_001322014.2, NM_001406869.1 and 8 more transcripts); c.218A>T, p.Lys73Met (NM_001322007.2, NM_001322008.2, NM_001406876.1 and 4 more transcripts); c.-349A>T (NM_001322011.2, NM_001322012.2); c.227A>T, p.Lys76Met (NM_001322015.2, NM_001406875.1, NM_001406877.1 and 6 more transcripts); c.722A>T, p.Lys241Met (NM_001406866.1); c.560A>T, p.Lys187Met (NM_001406868.1); short protein forms K179M, K73M, K241M, K76M, K44M, K187M.
Identifiers: ClinVar variation 1747096 (VCV001747096.5), dbSNP rs1785186190, ClinGen allele CA366744148.